The following is an entry in ClinVar:

NM_015015.3(KDM4B):c.1338G>A (p.Arg446=)

Gene: KDM4B (lysine demethylase 4B; plus strand). Cytogenetic location: 19p13.3.
Variant type: single nucleotide variant.
Coding change: c.1338G>A on transcript NM_015015.3 (MANE Select); coding-DNA position 1338, G replaced by A.
Protein change: p.Arg446=; no amino-acid change (arginine 446 retained).
Molecular consequence: synonymous variant.
Genome position (GRCh38, 1-based): chr19:5,131,098, G>A. VCF-style: chr19-5131098-G-A. GRCh37 (hg19) VCF-style: chr19-5131109-G-A.
Other names: c.1440G>A, p.Arg480= (NM_001411148.1).
Identifiers: ClinVar variation 4682003 (VCV004682003.5).

ClinVar aggregate classification (germline): Likely benign (1 of 4 stars; one submission).

gnomAD v4.1: 2 of 1,513,374 alleles (0.00013%); highest among the groups gnomAD compares: Non-Finnish European, 0.00018%; no homozygotes.

Submission:

CeGaT Center for Human Genetics Tuebingen
Classification: Likely benign. Last evaluated: 2025-12-01. Review status: criteria provided, single submitter. Criteria: CeGaT Center For Human Genetics Tuebingen Variant Classification Criteria Version 2. Collection method: clinical testing. Allele origin: germline. Affected: yes. Observed: 1 variant allele.
Comment: KDM4B: BP4, BP7